The following is an entry in ClinVar:

NM_152743.4(BRAT1):c.777C>T (p.Phe259=)

Gene: BRAT1 (BRCA1 associated ATM activator 1; minus strand). Cytogenetic location: 7p22.3.
Variant type: single nucleotide variant.
Coding change: c.777C>T on transcript NM_152743.4 (MANE Select); coding-DNA position 777, C replaced by T.
Protein change: p.Phe259=; no amino-acid change (phenylalanine 259 retained).
Molecular consequence: synonymous variant. On other transcripts: non-coding transcript variant (1).
Genome position (GRCh38, 1-based): chr7:2,543,616, G>A on the plus strand (C>T on the coding strand, the complement: BRAT1 is on the minus strand). VCF-style: chr7-2543616-G-A. GRCh37 (hg19) VCF-style: chr7-2583250-G-A.
Other names: c.777C>T, p.Phe259= (NM_001350626.2); c.252C>T, p.Phe84= (NM_001350627.2).
Identifiers: ClinVar variation 751888 (VCV000751888.18), dbSNP rs557291535, ClinGen allele CA4128098.
Genomic context (GRCh38, chr7:2,543,616, plus strand): 5'-CCCAGGCCCCCCAGCTGCGTCCCGGGGCCCTGACCGAGCCACACAGAGAAGCAGGTCCAC[G>A]AACGAGTGTGCGGCGGGGATGGGGTCTCTCTCCAGCAGACAGGCCACGCGGGGACTCAGC-3'
Protein context (NP_689956.2, residues 249-269): ERDPIPAAHS[Phe259=]VDLLLCVARS

ClinVar aggregate classification (germline): Likely benign. Review status: criteria provided, multiple submitters, no conflicts (2 of 4 stars). 2 submissions from 2 submitters: Likely benign (2). Last evaluated 2025-09-08.

Conditions:
Neonatal-onset encephalopathy with rigidity and seizures. Also called: Lethal neonatal spasticity-epileptic encephalopathy syndrome. Identifiers: Orphanet 435845, MedGen C3281029, MONDO:0013784, OMIM 614498.

Allele frequency attached by ClinVar (database versions not stated): gnomAD exomes 0.00003 and 0.00004; ExAC 0.00005; gnomAD 0.00006 and 0.00007; TOPMed 0.00012; 1000 Genomes Project 30x 0.00016; 1000 Genomes Project 0.00020.
gnomAD v4.1: 56 of 1,528,076 alleles (0.0037%); highest among the groups gnomAD compares: African/African-American, 0.0069%; no homozygotes.

Submissions (2):

Labcorp Genetics (formerly Invitae), Labcorp
Classification: Likely benign for Neonatal-onset encephalopathy with rigidity and seizures. Last evaluated: 2025-09-08. Review status: criteria provided, single submitter. Criteria: Invitae Variant Classification Sherloc (09022015). Collection method: clinical testing. Allele origin: germline.

CeGaT Center for Human Genetics Tuebingen
Classification: Likely benign. Last evaluated: 2025-04-01. Review status: criteria provided, single submitter. Criteria: CeGaT Center For Human Genetics Tuebingen Variant Classification Criteria Version 2. Collection method: clinical testing. Allele origin: germline. Affected: yes. Observed: 1 variant allele.
Comment: BRAT1: BP4, BP7